The following is an entry in ClinVar:

ClinVar aggregate classification (germline): Uncertain significance (1 of 4 stars; one submission).

Submission:

GeneDx
Classification: Uncertain significance. Last evaluated: 2025-10-11. Review status: criteria provided, single submitter. Criteria: GeneDx Variant Classification Process June 2021. Collection method: clinical testing. Allele origin: germline.
Comment: In-frame deletion of 2 amino acids and insertion of 1 different amino acid in a non-repeat region; In silico analysis suggests that this variant does not alter protein structure/function; Has not been previously published as pathogenic or benign to our knowledge

NM_001287491.2(TET3):c.1117_1122delinsTTC (p.Pro373_Ser374delinsPhe)

Gene: TET3 (tet methylcytosine dioxygenase 3; plus strand). Cytogenetic location: 2p13.1.
Variant type: Indel.
Coding change: c.1117_1122delinsTTC on transcript NM_001287491.2 (MANE Select); coding-DNA positions 1117 to 1122, CCTTCT replaced by TTC.
Protein change: p.Pro373_Ser374delinsPhe.
Molecular consequence: inframe indel.
Genome position (GRCh38, 1-based): chr2:74,047,034-74,047,039, CCTTCT replaced by TTC. VCF-style: chr2-74047034-CCTTCT-TTC. GRCh37 (hg19) VCF-style: chr2-74274161-CCTTCT-TTC.
Other names: c.838_843delinsTTC, p.Pro280_Ser281delinsPhe (NM_001366022.1).
Identifiers: ClinVar variation 3340902 (VCV003340902.2).